The following is an entry in ClinVar:

NM_020461.4(TUBGCP6):c.996dup (p.Leu333fs)

Gene: TUBGCP6 (tubulin gamma complex component 6; minus strand). Cytogenetic location: 22q13.33.
Variant type: Duplication.
Coding change: c.996dup on transcript NM_020461.4 (MANE Select); coding-DNA position 996, one base duplicated (G; older notation c.996dupG).
Protein change: p.Leu333fs; shifts the reading frame from leucine 333.
Molecular consequence: frameshift variant.
Genome position (GRCh38, 1-based): chr22:50,233,436, C duplicated on the plus strand (G on the coding strand, the reverse complement: TUBGCP6 is on the minus strand). VCF-style (leftmost placement, unchanged base first): chr22-50233435-G-GC. GRCh37 (hg19) VCF-style: chr22-50671864-G-GC.
Other names: short protein forms L333fs.
Identifiers: ClinVar variation 1074757 (VCV001074757.7), dbSNP rs2147200853, ClinGen allele CA2499226224.

ClinVar aggregate classification (germline): Pathogenic (1 of 4 stars; one submission).

Allele frequency attached by ClinVar (database versions not stated): gnomAD exomes below 0.00001.

Submission:

Labcorp Genetics (formerly Invitae), Labcorp
Classification: Pathogenic. Last evaluated: 2021-04-29. Review status: criteria provided, single submitter. Criteria: Invitae Variant Classification Sherloc (09022015). Collection method: clinical testing. Allele origin: germline.
Comment: This variant is not present in population databases (ExAC no frequency). This variant has not been reported in the literature in individuals with TUBGCP6-related conditions. Loss-of-function variants in TUBGCP6 are known to be pathogenic (PMID: 25344692). For these reasons, this variant has been classified as Pathogenic. This sequence change creates a premature translational stop signal (p.Leu333Alafs*234) in the TUBGCP6 gene. It is expected to result in an absent or disrupted protein product.

Literature cited by the submitters: PubMed 25344692.